The following is an entry in ClinVar:

NM_001134232.2(TMEM106B):c.382G>A (p.Val128Ile)

Gene: TMEM106B (transmembrane protein 106B; plus strand). Cytogenetic location: 7p21.3.
Variant type: single nucleotide variant.
Coding change: c.382G>A on transcript NM_001134232.2 (MANE Select); coding-DNA position 382, G replaced by A.
Protein change: p.Val128Ile; replaces valine 128 with isoleucine.
Molecular consequence: missense variant.
Genome position (GRCh38, 1-based): chr7:12,224,326, G>A. VCF-style: chr7-12224326-G-A. GRCh37 (hg19) VCF-style: chr7-12263952-G-A.
Other names: c.382G>A, p.Val128Ile (NM_018374.4); short protein forms V128I.
Identifiers: ClinVar variation 4873692 (VCV004873692.2).

ClinVar aggregate classification (germline): Uncertain significance (1 of 4 stars; one submission).

gnomAD v4.1: 3 of 1,613,736 alleles (0.00019%); highest among the groups gnomAD compares: African/African-American, 0.0013%; no homozygotes.

Submission:

CeGaT Center for Human Genetics Tuebingen
Classification: Uncertain significance. Last evaluated: 2026-04-01. Review status: criteria provided, single submitter. Criteria: CeGaT Center For Human Genetics Tuebingen Variant Classification Criteria Version 2. Collection method: clinical testing. Allele origin: germline. Affected: yes. Observed: 1 variant allele.
Comment: TMEM106B: PM2:Supporting, BP4